The following is an entry in ClinVar:

NM_001122681.2(SH3BP2):c.932G>A (p.Gly311Asp)

Gene: SH3BP2 (SH3 domain binding protein 2; plus strand). Cytogenetic location: 4p16.3.
Variant type: single nucleotide variant.
Coding change: c.932G>A on transcript NM_001122681.2 (MANE Select); coding-DNA position 932, G replaced by A.
Protein change: p.Gly311Asp; replaces glycine 311 with aspartic acid.
Molecular consequence: missense variant.
Genome position (GRCh38, 1-based): chr4:2,829,838, G>A. VCF-style: chr4-2829838-G-A. GRCh37 (hg19) VCF-style: chr4-2831565-G-A.
Other names: c.1016G>A, p.Gly339Asp (LRG_1334t2, NM_001145855.2); c.932G>A, p.Gly311Asp (LRG_1334t1, NM_003023.4); c.1103G>A, p.Gly368Asp (NM_001145856.2); short protein forms G311D, G339D, G368D.
Identifiers: ClinVar variation 571079 (VCV000571079.10), dbSNP rs147908313, ClinGen allele CA2819359.
Genomic context (GRCh38, chr4:2,829,838, plus strand): 5'-TCCGGAAACCCCCTTGCTTCCGGGAGAGTGCCAGCCCCAGCCCGGAGCCCTGGACCCCTG[G>A]CCACGGGGCCTGCTCCACTTCCAGTGCTGCCATCATGGCCACTGCCACCTCCAGAAACTG-3'
Protein context (NP_001116153.1, residues 301-321): ASPSPEPWTP[Gly311Asp]HGACSTSSAA

ClinVar aggregate classification (germline): Uncertain significance (1 of 4 stars; one submission).

Conditions:
Fibrous dysplasia of jaw (CRBM). Also called: Cherubism. Identifiers: Orphanet 184, MedGen C0008029, MONDO:0007315, OMIM 118400.

Allele frequency attached by ClinVar (database versions not stated): ExAC 0.00001; gnomAD 0.00001; TOPMed 0.00001; gnomAD exomes 0.00002 and 0.00003; ESP Exome Variant Server 0.00008.
gnomAD v4.1: 18 of 1,613,434 alleles (0.0011%); highest among the groups gnomAD compares: Non-Finnish European, 0.0014%; no homozygotes.

Submission:

Labcorp Genetics (formerly Invitae), Labcorp
Classification: Uncertain significance for Fibrous dysplasia of jaw. Last evaluated: 2024-01-09. Review status: criteria provided, single submitter. Criteria: Invitae Variant Classification Sherloc (09022015). Collection method: clinical testing. Allele origin: germline.
Comment: This sequence change replaces glycine, which is neutral and non-polar, with aspartic acid, which is acidic and polar, at codon 311 of the SH3BP2 protein (p.Gly311Asp). This variant is present in population databases (rs147908313, gnomAD 0.004%). This variant has not been reported in the literature in individuals affected with SH3BP2-related conditions. ClinVar contains an entry for this variant (Variation ID: 571079). Advanced modeling of protein sequence and biophysical properties (such as structural, functional, and spatial information, amino acid conservation, physicochemical variation, residue mobility, and thermodynamic stability) performed at Invitae indicates that this missense variant is not expected to disrupt SH3BP2 protein function with a negative predictive value of 80%. Algorithms developed to predict the effect of sequence changes on RNA splicing suggest that this variant may create or strengthen a splice site. In summary, the available evidence is currently insufficient to determine the role of this variant in disease. Therefore, it has been classified as a Variant of Uncertain Significance.